The following is an entry in ClinVar:

NM_000465.4(BARD1):c.354T>C (p.Asn118=)

Gene: BARD1 (BRCA1 associated RING domain 1; minus strand). Cytogenetic location: 2q35.
Variant type: single nucleotide variant.
Coding change: c.354T>C on transcript NM_000465.4 (MANE Select); coding-DNA position 354, T replaced by C.
Protein change: p.Asn118=; no amino-acid change (asparagine 118 retained).
Molecular consequence: synonymous variant. On other transcripts: non-coding transcript variant (1), intron variant (2).
Genome position (GRCh38, 1-based): chr2:214,792,307, A>G on the plus strand (T>C on the coding strand, the complement: BARD1 is on the minus strand). VCF-style: chr2-214792307-A-G. GRCh37 (hg19) VCF-style: chr2-215657031-A-G.
Other names: c.297T>C, p.Asn99= (NM_001282543.2); c.354T>C, p.Asn118= (NM_001282549.2); c.158+17105T>C (NM_001282548.2); c.215+4754T>C (NM_001282545.2).
Identifiers: ClinVar variation 3260425 (VCV003260425.2).

ClinVar aggregate classification (germline): Benign/Likely benign. Review status: criteria provided, multiple submitters, no conflicts (2 of 4 stars). 2 submissions from 2 submitters: Benign (1); Likely benign (1). Last evaluated 2024-07-19.

Conditions:
Hereditary cancer-predisposing syndrome. Also called: Hereditary Cancer Syndrome; Tumor predisposition; Hereditary neoplastic syndrome; Neoplastic Syndromes, Hereditary. Identifiers: Orphanet 140162, MedGen C0027672, MeSH D009386, MONDO:0015356.
Familial cancer of breast. Also called: BREAST CANCER, FAMILIAL; Hereditary breast cancer; hereditary breast carcinoma. Identifiers: Orphanet 227535, MedGen C0346153, MONDO:0016419, OMIM 114480. Disease mechanism: loss of function.

Submissions (2):

Myriad Genetics, Inc.
Classification: Benign for Familial cancer of breast. Last evaluated: 2024-07-19. Review status: criteria provided, single submitter. Criteria: Myriad Autosomal Dominant, Autosomal Recessive and X-Linked Classification Criteria (2023). Collection method: clinical testing. Allele origin: unknown.
Comment: This variant is considered benign. This variant is a silent/synonymous amino acid change and it is not expected to impact splicing.

Ambry Genetics
Classification: Likely benign for Hereditary cancer-predisposing syndrome. Last evaluated: 2024-03-21. Review status: criteria provided, single submitter. Criteria: Ambry Variant Classification Scheme 2023. Collection method: clinical testing. Allele origin: germline.